The following is an entry in ClinVar:

NM_000465.4(BARD1):c.1662_1665del (p.Ser555fs)

Gene: BARD1 (BRCA1 associated RING domain 1; minus strand). Cytogenetic location: 2q35.
Variant type: Deletion.
Coding change: c.1662_1665del on transcript NM_000465.4 (MANE Select); coding-DNA positions 1662 to 1665, 4 bases deleted (TAGC; older notation c.1662_1665delTAGC).
Protein change: p.Ser555fs; shifts the reading frame from serine 555.
Molecular consequence: frameshift variant. On other transcripts: non-coding transcript variant (3), intron variant (1).
Genome position (GRCh38, 1-based): chr2:214,752,459-214,752,462, GCTA deleted on the plus strand (TAGC on the coding strand, the reverse complement: BARD1 is on the minus strand); deleting any 4 consecutive bases within chr2:214,752,459-214,752,465 gives the same sequence; the c. name uses the placement nearest the transcript's 3' end. VCF-style (leftmost placement, unchanged base first): chr2-214752458-GGCTA-G. GRCh37 (hg19) VCF-style: chr2-215617182-GGCTA-G.
Other names: c.1605_1608del, p.Ser536fs (NM_001282543.2); c.309_312del, p.Ser104fs (NM_001282545.2); c.252_255del, p.Ser85fs (NM_001282548.2); c.365-21954_365-21951del (NM_001282549.2); short protein forms S536fs, S104fs, S555fs, S85fs.
Identifiers: ClinVar variation 819779 (VCV000819779.14), dbSNP rs753537518, ClinGen allele CA2090202.

ClinVar aggregate classification (germline): Pathogenic/Likely pathogenic. Review status: criteria provided, multiple submitters, no conflicts (2 of 4 stars). 5 submissions from 5 submitters: Pathogenic (4); Likely pathogenic (1). Last evaluated 2024-08-20.

Conditions:
Hereditary cancer-predisposing syndrome. Also called: Neoplastic Syndromes, Hereditary; Tumor predisposition; Hereditary Cancer Syndrome; Hereditary neoplastic syndrome. Identifiers: Orphanet 140162, MedGen C0027672, MeSH D009386, MONDO:0015356.
Familial cancer of breast. Also called: BREAST CANCER, FAMILIAL; Hereditary breast cancer; hereditary breast carcinoma. Identifiers: Orphanet 227535, MedGen C0346153, MONDO:0016419, OMIM 114480. Disease mechanism: loss of function.

Submissions (5):

Myriad Genetics, Inc.
Classification: Pathogenic for Familial cancer of breast. Last evaluated: 2024-08-20. Review status: criteria provided, single submitter. Criteria: Myriad Autosomal Dominant, Autosomal Recessive and X-Linked Classification Criteria (2023). Collection method: clinical testing. Allele origin: unknown.
Comment: This variant is considered pathogenic. This variant creates a frameshift predicted to result in premature protein truncation.

Labcorp Genetics (formerly Invitae), Labcorp
Classification: Pathogenic for Familial cancer of breast. Last evaluated: 2023-01-30. Review status: criteria provided, single submitter. Criteria: Invitae Variant Classification Sherloc (09022015). Collection method: clinical testing. Allele origin: germline.
Comment: This variant is present in population databases (rs753537518, gnomAD 0.003%). This sequence change creates a premature translational stop signal (p.Ser555Thrfs*4) in the BARD1 gene. It is expected to result in an absent or disrupted protein product. Loss-of-function variants in BARD1 are known to be pathogenic (PMID: 20077502, 21344236). This variant has not been reported in the literature in individuals affected with BARD1-related conditions. For these reasons, this variant has been classified as Pathogenic. ClinVar contains an entry for this variant (Variation ID: 819779).

Baylor Genetics
Classification: Likely pathogenic for Familial cancer of breast. Last evaluated: 2022-11-24. Review status: criteria provided, single submitter. Criteria: ACMG Guidelines, 2015. Collection method: clinical testing. Allele origin: unknown.

Color Diagnostics, LLC DBA Color Health
Classification: Pathogenic for Hereditary cancer-predisposing syndrome. Last evaluated: 2020-01-15. Review status: criteria provided, single submitter. Criteria: ACMG Guidelines, 2015. Collection method: clinical testing. Allele origin: germline.
Comment: This variant deletes 4 nucleotides in exon 7 of the BARD1 gene, creating a frameshift and premature translation stop signal. This variant is expected to result in an absent or non-functional protein product. This variant has been identified in 1/251282 chromosomes in the general population by the Genome Aggregation Database (gnomAD). Loss of BARD1 function is a known mechanism of disease. Based on the available evidence, this variant is classified as Pathogenic.

Ambry Genetics
Classification: Pathogenic for Hereditary cancer-predisposing syndrome. Last evaluated: 2019-03-13. Review status: criteria provided, single submitter. Criteria: Ambry Variant Classification Scheme 2023. Collection method: clinical testing. Allele origin: germline.
Comment: The c.1662_1665delTAGC pathogenic mutation, located in coding exon 7 of the BARD1 gene, results from a deletion of 4 nucleotides at nucleotide positions 1662 to 1665, causing a translational frameshift with a predicted alternate stop codon (p.S555Tfs*4). This alteration is expected to result in loss of function by premature protein truncation or nonsense-mediated mRNA decay. As such, this alteration is interpreted as a disease-causing mutation.

Literature cited by the submitters: PubMed 20077502 (cited by Labcorp Genetics (formerly Invitae), Labcorp); PubMed 21344236 (cited by Labcorp Genetics (formerly Invitae), Labcorp).